The following is an entry in ClinVar:

ClinVar aggregate classification (germline): Conflicting classifications of pathogenicity. Review status: criteria provided, conflicting classifications (1 of 4 stars). 8 submissions from 8 submitters: Uncertain significance (7); Likely benign (1). Last evaluated 2026-01-22.

Conditions:
TTN-related disorder. Also called: TTN-related condition; TTN-related disease; TTN-related disorders.
Dilated cardiomyopathy 1G (CMD1G). Identifiers: Orphanet 154, MedGen C1858763, MONDO:0011400, OMIM 604145.
Autosomal recessive limb-girdle muscular dystrophy type 2J (LGMDR10). Also called: Limb-girdle muscular dystrophy, type 2J; MUSCULAR DYSTROPHY, LIMB-GIRDLE, AUTOSOMAL RECESSIVE 10. Identifiers: Orphanet 140922, MedGen C1837342, MONDO:0012127, OMIM 608807.
Tibial muscular dystrophy (TMD). Also called: Udd Distal Myopathy – Tibial Muscular Dystrophy; UDD MYOPATHY; Tibial muscular dystrophy, tardive. Identifiers: Orphanet 609, MedGen C1838244, MONDO:0010870, OMIM 600334.
Myopathy, myofibrillar, 9, with early respiratory failure (MFM9). Also called: Hereditary myopathy with early respiratory failure; EDSTROM MYOPATHY; MYOPATHY, PROXIMAL, WITH EARLY RESPIRATORY MUSCLE INVOLVEMENT; Myopathy, distal, with early respiratory failure, autosomal dominant. Identifiers: Orphanet 178464, Orphanet 34521, MedGen C1863599, MONDO:0011362, OMIM 603689.
Hypertrophic cardiomyopathy 9. Also called: Familial hypertrophic cardiomyopathy 9. Identifiers: MedGen C1861065, MONDO:0013412, OMIM 613765.
Early-onset myopathy with fatal cardiomyopathy (CMYO5). Also called: CONGENITAL MYOPATHY 5 WITH CARDIOMYOPATHY; Salih Myopathy. Identifiers: Orphanet 289377, MedGen C2673677, MONDO:0012714, OMIM 611705. Disease mechanism: loss of function.

Allele frequency attached by ClinVar (database versions not stated): TOPMed below 0.00001; gnomAD exomes 0.00001; ExAC 0.00002; gnomAD 0.00003 and 0.00005.
gnomAD v4.1: 31 of 1,600,794 alleles (0.0019%); highest among the groups gnomAD compares: East Asian, 0.011%; no homozygotes.

Submissions (8):

PreventionGenetics, part of Exact Sciences
Classification: Uncertain significance for TTN-related condition. Last evaluated: 2026-01-22. Review status: criteria provided, single submitter. Criteria: ACMG Guidelines, 2015. Collection method: clinical testing. Allele origin: germline.
Comment: The TTN c.23065G>A variant is predicted to result in the amino acid substitution p.Asp7689Asn. To our knowledge, this variant has not been reported in the literature. This variant is reported in 0.010% of alleles in individuals of East Asian descent in gnomAD. At this time, the clinical significance of this variant is uncertain due to the absence of conclusive functional and genetic evidence.

Revvity Omics, Revvity
Classification: Uncertain significance. Last evaluated: 2024-10-15. Review status: criteria provided, single submitter. Criteria: ACMG Guidelines, 2015. Collection method: clinical testing. Allele origin: germline.

Blueprint Genetics
Classification: Likely benign. Last evaluated: 2024-10-14. Review status: criteria provided, single submitter. Criteria: ACMG Guidelines, 2015. Collection method: clinical testing. Allele origin: germline.

ARUP Laboratories, Molecular Genetics and Genomics, ARUP Laboratories
Classification: Uncertain significance. Last evaluated: 2019-03-01. Review status: criteria provided, single submitter. Criteria: ARUP Molecular Germline Variant Investigation Process. Collection method: clinical testing. Allele origin: germline.
Comment: The TTN c.19333G>A; p.Asp6445Asn variant (rs727505052; ClinVar Variation ID: 179685) is rare in the general population (<1% allele frequency in the Genome Aggregation Database) and has not been reported in the medical literature in association with dilated cardiomyopathy (DCM) or other TTN-related disease. The clinical relevance of rare missense variants in this gene, which are identified on average once per individual sequenced in affected populations (Herman 2012), is not well understood. Yet, evidence suggests that the vast majority of such missense variants do not contribute to the clinical outcome of DCM (Begay 2015). Thus, the clinical significance of the Asp6445Asn variant cannot be determined with certainty.

Fulgent Genetics
Classification: Uncertain significance for Tibial muscular dystrophy; Myopathy, myofibrillar, 9, with early respiratory failure; Dilated cardiomyopathy 1G; Autosomal recessive limb-girdle muscular dystrophy type 2J; Early-onset myopathy with fatal cardiomyopathy; Hypertrophic cardiomyopathy 9. Last evaluated: 2018-10-31. Review status: criteria provided, single submitter. Criteria: ACMG Guidelines, 2015. Collection method: clinical testing. Allele origin: unknown.

Labcorp Genetics (formerly Invitae), Labcorp
Classification: Uncertain significance for Dilated cardiomyopathy 1G; Autosomal recessive limb-girdle muscular dystrophy type 2J. Last evaluated: 2016-11-18. Review status: criteria provided, single submitter. Criteria: Invitae Variant Classification Sherloc (09022015). Collection method: clinical testing. Allele origin: germline.

Laboratory for Molecular Medicine, Mass General Brigham Personalized Medicine
Classification: Uncertain significance. Last evaluated: 2014-05-01. Review status: criteria provided, single submitter. Criteria: LMM Criteria. Collection method: clinical testing. Allele origin: germline. Observed: 1 variant allele.
Comment: The Asp6445Asn variant in TTN has not been previously reported in individuals wi th cardiomyopathy or in large population studies. Computational prediction tools and conservation analysis suggest that this variant may not impact the protein, though this information is not predictive enough to rule out pathogenicity.Of n ote, 1 fish (Atlantic cod) carries an asparagine (Asn) at this position, raising the possibility that this change may be tolerated. In summary, the clinical sig nificance of the Asp6445Asn variant is uncertain.

GeneDx
Classification: Uncertain significance. Last evaluated: 2014-02-21. Review status: criteria provided, single submitter. Criteria: GeneDx Variant Classification (06012015). Collection method: clinical testing. Allele origin: germline. Affected: yes.
Comment: Missense variants in the TTN gene are considered 'unclassified' if they are not previously reported in the literature and do not have >1% frequency in the population to be considered a polymorphism. Research indicates that truncating mutations in the TTN gene are expected to account for approximately 25% of familial and 18% of sporadic idiopathic DCM; however, truncating variants in the TTN gene have been reported in approximately 3% of reported control alleles. There has been little investigation into non-truncating variants. (Herman D et al. Truncations of titin causing dilated cardiomyopathy. N Eng J Med 366:619-628, 2012) The variant is found in DCM-CRDM panel(s).

NM_001267550.2(TTN):c.23065G>A (p.Asp7689Asn)

Gene: TTN (titin; minus strand). Cytogenetic location: 2q31.2.
Variant type: single nucleotide variant.
Coding change: c.23065G>A on transcript NM_001267550.2 (MANE Select); coding-DNA position 23065, G replaced by A.
Protein change: p.Asp7689Asn; replaces aspartic acid 7689 with asparagine.
Molecular consequence: missense variant. On other transcripts: intron variant (3).
Genome position (GRCh38, 1-based): chr2:178,720,954, C>T on the plus strand (G>A on the coding strand, the complement: TTN is on the minus strand). VCF-style: chr2-178720954-C-T. GRCh37 (hg19) VCF-style: chr2-179585681-C-T.
Other names: p.D7372N:GAC>AAC; c.22114G>A, p.Asp7372Asn (NM_001256850.1); c.13282+17128G>A (NM_003319.4); c.13858+17128G>A (NM_133437.4); c.13657+17128G>A (NM_133432.3); c.19333G>A, p.Asp6445Asn (NM_133378.4); short protein forms D6445N, D7689N, D7372N.
Identifiers: ClinVar variation 179685 (VCV000179685.21), dbSNP rs727505052, ClinGen allele CA184930.